The following is an entry in ClinVar:

NM_000059.4(BRCA2):c.853A>G (p.Lys285Glu)

Gene: BRCA2 (BRCA2 DNA repair associated; plus strand). Cytogenetic location: 13q13.1.
Variant type: single nucleotide variant.
Coding change: c.853A>G on transcript NM_000059.4 (MANE Select); coding-DNA position 853, A replaced by G.
Protein change: p.Lys285Glu; replaces lysine 285 with glutamic acid.
Molecular consequence: missense variant.
Genome position (GRCh38, 1-based): chr13:32,332,331, A>G. VCF-style: chr13-32332331-A-G. GRCh37 (hg19) VCF-style: chr13-32906468-A-G.
Other names: short protein forms K285E.
Identifiers: ClinVar variation 920129 (VCV000920129.6), dbSNP rs2072398689, ClinGen allele CA387760537.

ClinVar aggregate classification (germline): Conflicting classifications of pathogenicity. Review status: criteria provided, conflicting classifications (1 of 4 stars). 2 submissions from 2 submitters: Uncertain significance (1); Likely benign (1). Last evaluated 2023-12-05.

Conditions:
Hereditary cancer-predisposing syndrome. Also called: Neoplastic Syndromes, Hereditary; Tumor predisposition; Hereditary Cancer Syndrome; Hereditary neoplastic syndrome. Identifiers: Orphanet 140162, MedGen C0027672, MeSH D009386, MONDO:0015356.

Submissions (2):

Color Diagnostics, LLC DBA Color Health
Classification: Uncertain significance for Hereditary cancer-predisposing syndrome. Last evaluated: 2023-12-05. Review status: criteria provided, single submitter. Criteria: ACMG Guidelines, 2015. Collection method: clinical testing. Allele origin: germline.
Comment: This missense variant replaces lysine with glutamic acid at codon 285 of the BRCA2 protein. Computational prediction suggests that this variant may not impact protein structure and function (internally defined REVEL score threshold <= 0.5, PMID: 27666373). To our knowledge, functional studies have not been reported for this variant. This variant has not been reported in individuals affected with BRCA2-related disorders in the literature. This variant has not been identified in the general population by the Genome Aggregation Database (gnomAD). The available evidence is insufficient to determine the role of this variant in disease conclusively. Therefore, this variant is classified as a Variant of Uncertain Significance.

University of Washington Department of Laboratory Medicine, University of Washington
Classification: Likely benign for Hereditary cancer-predisposing syndrome. Last evaluated: 2023-03-23. Review status: criteria provided, single submitter. Criteria: Dines et al. (Genet Med. 2020). Collection method: curation. Allele origin: germline.
Comment: Missense variant in a coldspot region where missense variants are very unlikely to be pathogenic (PMID:31911673).

BRCA2 exon 10 coldspot. Reclassification based on statistical prior probability.